The following is an entry in ClinVar:

NM_006231.4(POLE):c.3736A>C (p.Thr1246Pro)

Gene: POLE (DNA polymerase epsilon, catalytic subunit; minus strand). Cytogenetic location: 12q24.33.
Variant type: single nucleotide variant.
Coding change: c.3736A>C on transcript NM_006231.4 (MANE Select); coding-DNA position 3736, A replaced by C.
Protein change: p.Thr1246Pro; replaces threonine 1246 with proline.
Molecular consequence: missense variant.
Genome position (GRCh38, 1-based): chr12:132,649,736, T>G on the plus strand (A>C on the coding strand, the complement: POLE is on the minus strand). VCF-style: chr12-132649736-T-G. GRCh37 (hg19) VCF-style: chr12-133226322-T-G.
Other names: short protein forms T1246P.
Identifiers: ClinVar variation 1466803 (VCV001466803.8), dbSNP rs2138613290, ClinGen allele CA387386255.

ClinVar aggregate classification (germline): Uncertain significance (1 of 4 stars; one submission).

Submission:

Labcorp Genetics (formerly Invitae), Labcorp
Classification: Uncertain significance. Last evaluated: 2021-02-15. Review status: criteria provided, single submitter. Criteria: Invitae Variant Classification Sherloc (09022015). Collection method: clinical testing. Allele origin: germline.
Comment: Algorithms developed to predict the effect of missense changes on protein structure and function (SIFT, PolyPhen-2, Align-GVGD) all suggest that this variant is likely to be tolerated, but these predictions have not been confirmed by published functional studies and their clinical significance is uncertain. In summary, the available evidence is currently insufficient to determine the role of this variant in disease. Therefore, it has been classified as a Variant of Uncertain Significance. This variant has not been reported in the literature in individuals with POLE-related conditions. This sequence change replaces threonine with proline at codon 1246 of the POLE protein (p.Thr1246Pro). The threonine residue is weakly conserved and there is a small physicochemical difference between threonine and proline. This variant is not present in population databases (ExAC no frequency).